The following is an entry in ClinVar:

ClinVar aggregate classification (germline): Pathogenic/Likely pathogenic. Review status: criteria provided, multiple submitters, no conflicts (2 of 4 stars). 5 submissions from 5 submitters: Pathogenic (4); Likely pathogenic (1). Last evaluated 2024-08-14.

Conditions:
Pontocerebellar hypoplasia type 1A (PCH1A). Also called: PONTOCEREBELLAR HYPOPLASIA WITH ANTERIOR HORN CELL DISEASE; PONTOCEREBELLAR HYPOPLASIA WITH INFANTILE SPINAL MUSCULAR ATROPHY. Identifiers: Orphanet 2254, Orphanet 88616, MedGen C1843504, MONDO:0011866, OMIM 607596.
Neuronopathy, distal hereditary motor, autosomal recessive 10 (HMNR10). Also called: NEUROPATHY, DISTAL HEREDITARY MOTOR, AUTOSOMAL RECESSIVE 10; VRK1-RELATED MOTOR NEURON DISEASE. Identifiers: MedGen C5882703, MONDO:0957876, OMIM 620542.

gnomAD v4.1: 7 of 1,613,294 alleles (0.00043%); highest among the groups gnomAD compares: South Asian, 0.0022%; no homozygotes.

Submissions (5):

Natera, Inc.
Classification: Pathogenic for Pontocerebellar hypoplasia, type 1a. Last evaluated: 2024-08-14. Review status: criteria provided, single submitter. Criteria: Natera Variant Classification Schema (03/2026). Collection method: clinical testing. Allele origin: germline.
Comment: The c.1159+1G>A variant in VRK1 is a canonical splice donor site variant predicted to affect pre-mRNA splicing, which may result in an abnormal transcript and altered protein product. This variant is expected to result in nonsense mediated decay, truncation, or a dysfunctional protein product. This variant is rare in the general population with a frequency below the threshold expected for the associated phenotype(s). This variant has been observed in one or more individuals affected with the associated recessive disease, as either homozygous or compound heterozygous with a second variant (PMID: 31069529, 31777123, 31560180). Additionally, this variant has been observed to segregate in affected family members (PMID: 31560180). Functional studies show that this variant may disrupt protein function (PMID: 31560180). Given the available evidence, this variant is classified as Pathogenic.

Labcorp Genetics (formerly Invitae), Labcorp
Classification: Pathogenic for Pontocerebellar hypoplasia type 1A. Last evaluated: 2024-03-16. Review status: criteria provided, single submitter. Criteria: Invitae Variant Classification Sherloc (09022015). Collection method: clinical testing. Allele origin: germline.
Comment: This sequence change affects a donor splice site in intron 12 of the VRK1 gene. RNA analysis indicates that disruption of this splice site induces altered splicing and likely disrupts the C-terminus of the protein. This variant is present in population databases (no rsID available, gnomAD 0.003%). Disruption of this splice site has been observed in individual(s) with VRK1-related conditions (PMID: 31560180). It has also been observed to segregate with disease in related individuals. ClinVar contains an entry for this variant (Variation ID: 848771). Variants that disrupt the consensus splice site are a relatively common cause of aberrant splicing (PMID: 17576681, 9536098). Studies have shown that disruption of this splice site results in insertion of a 35 bp fragment upstream of exon 13 and introduces a new termination codon (PMID: 31560180). However the mRNA is not expected to undergo nonsense-mediated decay. For these reasons, this variant has been classified as Pathogenic.

Neuberg Centre For Genomic Medicine, NCGM
Classification: Pathogenic for Pontocerebellar hypoplasia type 1A. Last evaluated: 2024-02-01. Review status: criteria provided, single submitter. Criteria: ACMG Guidelines, 2015. Collection method: clinical testing. Allele origin: germline. Inheritance: Autosomal recessive inheritance.

GeneDx
Classification: Likely pathogenic. Last evaluated: 2022-10-03. Review status: criteria provided, single submitter. Criteria: GeneDx Variant Classification Process June 2021. Collection method: clinical testing. Allele origin: germline. Affected: yes.
Comment: Canonical splice site variant with an unclear effect on protein function; Not observed at significant frequency in large population cohorts (gnomAD); This variant is associated with the following publications: (PMID: 31560180, 35641352)

Kasturba Medical College, Manipal, Kasturba Medical College, Manipal, Manipal Academy of Higher Education, Manipal, India
Classification: Pathogenic for Neuronopathy, distal hereditary motor, autosomal recessive 10. Review status: criteria provided, single submitter. Criteria: ACMG Guidelines, 2015. Collection method: research. Allele origin: maternal. Inheritance: Autosomal recessive inheritance. Affected: yes. Observed: 1 homozygote.
Comment: This variant was observed in heterozygous state in 7 individuals in the gnomAD database (v4.1.0). The variant c.1159+1G>A is not observed in our in-house data of 3527 exomes. Transcript analysis from the affected individuals with lower motor neuron diseases with biallelic variant c.1159+1G>A in VRK1 using blood sample showed insertion of a 35 bp fragment from the exon/intron boundary on the 3’ side upstream of exon 13 indicating inefficient RNA splicing of exon 12 and leading to shift in the frame and premature termination (Sedghi M et al., 2019). The clinical findings observed in proband are in concordance with neuronopathy, distal hereditary motor, autosomal recessive 10.

Literature cited by the submitters: PubMed 31069529 (cited by Natera, Inc.); PubMed 31777123 (cited by Natera, Inc.); PubMed 31560180 (cited by 3 submitters); PubMed 17576681 (cited by Labcorp Genetics (formerly Invitae), Labcorp); PubMed 9536098 (cited by Labcorp Genetics (formerly Invitae), Labcorp).

NM_003384.3(VRK1):c.1159+1G>A

Gene: VRK1 (VRK serine/threonine kinase 1; plus strand). Cytogenetic location: 14q32.2.
Variant type: single nucleotide variant.
Coding change: c.1159+1G>A on transcript NM_003384.3 (MANE Select); the canonical splice donor site of the intron after coding-DNA position 1159, G replaced by A.
Molecular consequence: splice donor variant.
Genome position (GRCh38, 1-based): chr14:96,876,121, G>A. VCF-style: chr14-96876121-G-A. GRCh37 (hg19) VCF-style: chr14-97342458-G-A.
Other names: c.1159+1G>A (NM_001411051.1); c.1156+1G>A (NM_001411053.1).
Identifiers: ClinVar variation 848771 (VCV000848771.16), dbSNP rs774877872, ClinGen allele CA390932550.